The following is an entry in ClinVar:

ClinVar aggregate classification (germline): Uncertain significance. Review status: criteria provided, multiple submitters, no conflicts (2 of 4 stars). 6 submissions from 6 submitters: Uncertain significance (6). Last evaluated 2025-09-15.

Conditions:
MYO3A-related disorder. Also called: MYO3A-related condition.

Submissions (6):

Labcorp Genetics (formerly Invitae), Labcorp
Classification: Uncertain significance. Last evaluated: 2025-09-15. Review status: criteria provided, single submitter. Criteria: Invitae Variant Classification Sherloc (09022015). Collection method: clinical testing. Allele origin: germline.
Comment: This sequence change falls in intron 8 of the MYO3A gene. It does not directly change the encoded amino acid sequence of the MYO3A protein. It affects a nucleotide within the consensus splice site. This variant is present in population databases (rs766150431, gnomAD 0.05%). This variant has not been reported in the literature in individuals affected with MYO3A-related conditions. ClinVar contains an entry for this variant (Variation ID: 179777). Variants that disrupt the consensus splice site are a relatively common cause of aberrant splicing (PMID: 17576681, 9536098). Algorithms developed to predict the effect of sequence changes on RNA splicing suggest that this variant may disrupt the consensus splice site. In summary, the available evidence is currently insufficient to determine the role of this variant in disease. Therefore, it has been classified as a Variant of Uncertain Significance.

PreventionGenetics, part of Exact Sciences
Classification: Uncertain significance for MYO3A-related condition. Last evaluated: 2025-07-07. Review status: criteria provided, single submitter. Criteria: ACMG Guidelines, 2015. Collection method: clinical testing. Allele origin: germline.
Comment: The MYO3A c.731+4_731+5insTA variant is predicted to result in an in-frame amino acid insertion (Intronic). This variant is predicted to impact splicing based on available splicing prediction programs (SpliceAI, Jaganathan et al. 2019. PubMed ID: 30661751). To our knowledge, this variant has not been reported in the literature. This variant is reported in 0.048% of alleles in individuals of Latino descent in gnomAD. At this time, the clinical significance of this variant is uncertain due to the absence of conclusive functional and genetic evidence.

Blueprint Genetics
Classification: Uncertain significance. Last evaluated: 2024-11-11. Review status: criteria provided, single submitter. Criteria: ACMG Guidelines, 2015. Collection method: clinical testing. Allele origin: germline.

GeneDx
Classification: Uncertain significance. Last evaluated: 2024-10-24. Review status: criteria provided, single submitter. Criteria: GeneDx Variant Classification Process June 2021. Collection method: clinical testing. Allele origin: germline. Affected: yes.
Comment: In silico analysis supports a deleterious effect on splicing; Has not been previously published as pathogenic or benign to our knowledge

Laboratory for Molecular Medicine, Mass General Brigham Personalized Medicine
Classification: Uncertain significance. Last evaluated: 2019-09-04. Review status: criteria provided, single submitter. Criteria: LMM Criteria. Collection method: clinical testing. Allele origin: germline. Observed: 3 variant alleles.
Comment: The 731+4_731+5insTA variant in MYO3A has been previously reported in 2 individuals with hearing loss by our laboratory and was also identified in 0.04% (17/35440) of Latino chromosomes by gnomAD. This variant is located in the 5' splice region. Computational tools suggest a possible impact to splicing. However, this information is not predictive enough to determine pathogenicity. In summary, the clinical significance of the 731+4_731+5insTA variant is uncertain. ACMG/AMP Criteria applied: PM2_Supporting.

Breakthrough Genomics
Classification: Uncertain significance. Review status: criteria provided, single submitter. Criteria: ACMG Guidelines, 2015. Collection method: not provided. Allele origin: germline. Inheritance: Autosomal recessive inheritance. Affected: yes.

Literature cited by the submitters: PubMed 17576681 (cited by Labcorp Genetics (formerly Invitae), Labcorp); PubMed 9536098 (cited by Labcorp Genetics (formerly Invitae), Labcorp).

NM_017433.5(MYO3A):c.731+4_731+5insTA

Gene: MYO3A (myosin IIIA; plus strand). Cytogenetic location: 10p12.1.
Variant type: Insertion.
Coding change: c.731+4_731+5insTA on transcript NM_017433.5 (MANE Select); bases 4 to 5 of the intron after coding-DNA position 731, TA inserted.
Molecular consequence: intron variant. On other transcripts: nonsense (1).
Genome position: GRCh38 VCF-style: chr10-26021651-C-CAT. GRCh37 (hg19) VCF-style: chr10-26310580-C-CAT.
Other names: c.735_736insTA, p.Asp246Ter (NM_001368265.1); short protein forms D246*.
Identifiers: ClinVar variation 179777 (VCV000179777.14), dbSNP rs727505119, ClinGen allele CA185111.